The following is an entry in ClinVar:

NM_005911.6(MAT2A):c.-15C>T

Gene: MAT2A (methionine adenosyltransferase 2A; plus strand). Cytogenetic location: 2p11.2.
Variant type: single nucleotide variant.
Coding change: c.-15C>T on transcript NM_005911.6 (MANE Select); 15 bases upstream of the start codon, C replaced by T.
Molecular consequence: 5 prime UTR variant.
Genome position (GRCh38, 1-based): chr2:85,539,273, C>T. VCF-style: chr2-85539273-C-T. GRCh37 (hg19) VCF-style: chr2-85766396-C-T.
Identifiers: ClinVar variation 390941 (VCV000390941.3), dbSNP rs202218397, ClinGen allele CA1741256.

ClinVar aggregate classification (germline): Benign/Likely benign. Review status: criteria provided, multiple submitters, no conflicts (2 of 4 stars). 3 submissions from 3 submitters: Benign (1); Likely benign (2). Last evaluated 2024-11-07.

Allele frequency attached by ClinVar (database versions not stated): 1000 Genomes Project 0.00060; TOPMed 0.00061; 1000 Genomes Project 30x 0.00062; gnomAD 0.00062; ESP Exome Variant Server 0.00138.
gnomAD v4.1: 1,621 of 1,597,134 alleles (0.1%); highest among the groups gnomAD compares: Non-Finnish European, 0.13%; no homozygotes.

Submissions (3):

Blueprint Genetics
Classification: Likely benign. Last evaluated: 2024-11-07. Review status: criteria provided, single submitter. Criteria: ACMG Guidelines, 2015. Collection method: clinical testing. Allele origin: germline.

Women's Health and Genetics/Laboratory Corporation of America, LabCorp
Classification: Benign. Last evaluated: 2023-08-19. Review status: criteria provided, single submitter. Criteria: LabCorp Variant Classification Summary - May 2015. Collection method: clinical testing. Allele origin: germline.

GeneDx
Classification: Likely benign. Last evaluated: 2018-03-05. Review status: criteria provided, single submitter. Criteria: GeneDx Variant Classification (06012015). Collection method: clinical testing. Allele origin: germline. Affected: yes.
Comment: This variant is considered likely benign or benign based on one or more of the following criteria: it is a conservative change, it occurs at a poorly conserved position in the protein, it is predicted to be benign by multiple in silico algorithms, and/or has population frequency not consistent with disease.